The following is an entry in ClinVar:

NM_001142800.2(EYS):c.2829T>A (p.Cys943Ter)

Gene: EYS (EGF-like photoreceptor maintenance factor; minus strand). Cytogenetic location: 6q12.
Variant type: single nucleotide variant.
Coding change: c.2829T>A on transcript NM_001142800.2 (MANE Select); coding-DNA position 2829, T replaced by A.
Protein change: p.Cys943Ter; replaces cysteine 943 with a stop codon.
Molecular consequence: nonsense.
Genome position (GRCh38, 1-based): chr6:64,902,130, A>T on the plus strand (T>A on the coding strand, the complement: EYS is on the minus strand). VCF-style: chr6-64902130-A-T. GRCh37 (hg19) VCF-style: chr6-65612023-A-T.
Other names: c.2829T>A, p.Cys943Ter (NM_001292009.2); short protein forms C943*.
Identifiers: ClinVar variation 2856909 (VCV002856909.4), dbSNP rs2533358904, ClinGen allele CA364785593.

ClinVar aggregate classification (germline): Pathogenic. Review status: criteria provided, single submitter (1 of 4 stars). 2 submissions from 2 submitters: Pathogenic (1). 1 of the submissions does not count toward it. Last evaluated 2023-04-17.

Conditions:
Retinal dystrophy. Also called: Inherited retinal dystrophy. Identifiers: Orphanet 71862, MedGen C0854723, MeSH D058499, MONDO:0019118, HP:0000556.

Submissions (2):

Labcorp Genetics (formerly Invitae), Labcorp
Classification: Pathogenic. Last evaluated: 2023-04-17. Review status: criteria provided, single submitter. Criteria: Invitae Variant Classification Sherloc (09022015). Collection method: clinical testing. Allele origin: germline.
Comment: For these reasons, this variant has been classified as Pathogenic. This variant has not been reported in the literature in individuals affected with EYS-related conditions. This variant is not present in population databases (gnomAD no frequency). This sequence change creates a premature translational stop signal (p.Cys943*) in the EYS gene. It is expected to result in an absent or disrupted protein product. Loss-of-function variants in EYS are known to be pathogenic (PMID: 18836446, 20333770).

Institute of Human Genetics, Univ. Regensburg, Univ. Regensburg
Classification: Pathogenic for Retinal dystrophy. Last evaluated: 2022-01-01. Review status: no assertion criteria provided. Criteria: ACMG Guidelines, 2015. Collection method: clinical testing. Allele origin: germline. Affected: yes. Not counted in ClinVar's aggregate classification.

Literature cited by the submitters: PubMed 18836446 (cited by Labcorp Genetics (formerly Invitae), Labcorp); PubMed 20333770 (cited by Labcorp Genetics (formerly Invitae), Labcorp).